The following is an entry in ClinVar:

NM_001184.4(ATR):c.3739G>C (p.Asp1247His)

Gene: ATR (ATR checkpoint kinase; minus strand). Cytogenetic location: 3q23.
Variant type: single nucleotide variant.
Coding change: c.3739G>C on transcript NM_001184.4 (MANE Select); coding-DNA position 3739, G replaced by C.
Protein change: p.Asp1247His; replaces aspartic acid 1247 with histidine.
Molecular consequence: missense variant.
Genome position (GRCh38, 1-based): chr3:142,536,188, C>G on the plus strand (G>C on the coding strand, the complement: ATR is on the minus strand). VCF-style: chr3-142536188-C-G. GRCh37 (hg19) VCF-style: chr3-142255030-C-G.
Other names: c.3547G>C, p.Asp1183His (NM_001354579.2); short protein forms D1183H, D1247H.
Identifiers: ClinVar variation 3221140 (VCV003221140.1), dbSNP rs752356196, ClinGen allele CA354806924.

ClinVar aggregate classification (germline): Uncertain significance (1 of 4 stars; one submission).

Conditions:
Inborn genetic diseases. Identifiers: MedGen C0950123, MeSH D030342.

Submission:

Ambry Genetics
Classification: Uncertain significance for Inborn genetic diseases. Last evaluated: 2023-10-08. Review status: criteria provided, single submitter. Criteria: Ambry Variant Classification Scheme 2023. Collection method: clinical testing. Allele origin: germline.
Comment: The p.D1247H variant (also known as c.3739G>C), located in coding exon 20 of the ATR gene, results from a G to C substitution at nucleotide position 3739. The aspartic acid at codon 1247 is replaced by histidine, an amino acid with similar properties. This amino acid position is conserved. In addition, the in silico prediction for this alteration is inconclusive. Since supporting evidence is limited at this time, the clinical significance of this alteration remains unclear.